The following is an entry in ClinVar:

ClinVar aggregate classification (germline): Uncertain significance (1 of 4 stars; one submission).

Submission:

Labcorp Genetics (formerly Invitae), Labcorp
Classification: Uncertain significance. Last evaluated: 2024-04-23. Review status: criteria provided, single submitter. Criteria: Invitae Variant Classification Sherloc (09022015). Collection method: clinical testing. Allele origin: germline.
Comment: This sequence change creates a premature translational stop signal (p.Tyr23*) in the A2ML1 gene. It is expected to result in an absent or disrupted protein product. However, the current clinical and genetic evidence is not sufficient to establish whether loss-of-function variants in A2ML1 cause disease. This variant is not present in population databases (gnomAD no frequency). This variant has not been reported in the literature in individuals affected with A2ML1-related conditions. ClinVar contains an entry for this variant (Variation ID: 2120402). Algorithms developed to predict the effect of sequence changes on RNA splicing suggest that this variant may disrupt the consensus splice site. In summary, the available evidence is currently insufficient to determine the role of this variant in disease. Therefore, it has been classified as a Variant of Uncertain Significance.

NM_144670.6(A2ML1):c.69C>G (p.Tyr23Ter)

Genes: A2ML1-AS1 (A2ML1 antisense RNA 1; minus strand), A2ML1 (alpha-2-macroglobulin like 1; plus strand). Cytogenetic location: 12p13.31.
Variant type: single nucleotide variant.
Coding change: c.69C>G on transcript NM_144670.6 (MANE Select); coding-DNA position 69, C replaced by G.
Protein change: p.Tyr23Ter; replaces tyrosine 23 with a stop codon.
Molecular consequence: nonsense.
Genome position (GRCh38, 1-based): chr12:8,823,188, C>G. VCF-style: chr12-8823188-C-G. GRCh37 (hg19) VCF-style: chr12-8975784-C-G.
Other names: short protein forms Y23*.
Identifiers: ClinVar variation 2120402 (VCV002120402.4), dbSNP rs761671142, ClinGen allele CA232652446.
Genomic context (GRCh38, chr12:8,823,188, plus strand): 5'-TTTTTCGAGTGAATGAATCATTATTGCCCTGAAATCCTTCTGCTCCTTTAATAGAAACTA[C>G]CTGGTGACATTACCAGCCCGGCTAAATTTCCCCTCCGTTCAGAAGGTTTGTTTGGACCTG-3'